The following is an entry in ClinVar:

NM_170754.4(TNS2):c.2323G>A (p.Glu775Lys)

Gene: TNS2 (tensin 2; plus strand). Cytogenetic location: 12q13.13.
Variant type: single nucleotide variant.
Coding change: c.2323G>A on transcript NM_170754.4 (MANE Select); coding-DNA position 2323, G replaced by A.
Protein change: p.Glu775Lys; replaces glutamic acid 775 with lysine.
Molecular consequence: missense variant.
Genome position (GRCh38, 1-based): chr12:53,059,964, G>A. VCF-style: chr12-53059964-G-A. GRCh37 (hg19) VCF-style: chr12-53453748-G-A.
Other names: c.2323G>A, p.Glu775Lys (NM_001416202.1); c.2281G>A, p.Glu761Lys (NM_001416203.1); c.2350G>A, p.Glu784Lys (NM_001416204.1); c.2254G>A, p.Glu752Lys (NM_015319.3); c.1951G>A, p.Glu651Lys (NM_198316.2); short protein forms E785K, E775K, E651K, E752K, E761K, E784K.
Identifiers: ClinVar variation 2395642 (VCV002395642.6), dbSNP rs373588998, ClinGen allele CA6592572.

ClinVar aggregate classification (germline): Uncertain significance. Review status: criteria provided, multiple submitters, no conflicts (2 of 4 stars). 2 submissions from 2 submitters: Uncertain significance (2). Last evaluated 2025-07-09.

Allele frequency attached by ClinVar (database versions not stated): TOPMed 0.00001; gnomAD 0.00001; ESP Exome Variant Server 0.00008; ExAC 0.00001.
gnomAD v4.1: 14 of 1,612,754 alleles (0.00087%); highest among the groups gnomAD compares: South Asian, 0.0044%; no homozygotes.

Submissions (2):

Labcorp Genetics (formerly Invitae), Labcorp
Classification: Uncertain significance. Last evaluated: 2025-07-09. Review status: criteria provided, single submitter. Criteria: Invitae Variant Classification Sherloc (09022015). Collection method: clinical testing. Allele origin: germline.
Comment: This sequence change replaces glutamic acid, which is acidic and polar, with lysine, which is basic and polar, at codon 785 of the TNS2 protein (p.Glu785Lys). This variant is present in population databases (rs373588998, gnomAD 0.003%). This variant has not been reported in the literature in individuals affected with TNS2-related conditions. ClinVar contains an entry for this variant (Variation ID: 2395642). An algorithm developed to predict the effect of missense changes on protein structure and function (PolyPhen-2) suggests that this variant is likely to be disruptive. In summary, the available evidence is currently insufficient to determine the role of this variant in disease. Therefore, it has been classified as a Variant of Uncertain Significance.

Ambry Genetics
Classification: Uncertain significance. Last evaluated: 2025-06-03. Review status: criteria provided, single submitter. Criteria: Ambry Variant Classification Scheme 2023. Collection method: clinical testing. Allele origin: germline.